The following is an entry in ClinVar:

NM_004535.3(MYT1):c.235C>T (p.Leu79=)

Gene: MYT1 (myelin transcription factor 1; plus strand). Cytogenetic location: 20q13.33.
Variant type: single nucleotide variant.
Coding change: c.235C>T on transcript NM_004535.3 (MANE Select); coding-DNA position 235, C replaced by T.
Protein change: p.Leu79=; no amino-acid change (leucine 79 retained).
Molecular consequence: synonymous variant.
Genome position (GRCh38, 1-based): chr20:64,205,638, C>T. VCF-style: chr20-64205638-C-T. GRCh37 (hg19) VCF-style: chr20-62836991-C-T.
Identifiers: ClinVar variation 3057011 (VCV003057011.2), dbSNP rs141745754, ClinGen allele CA9974521.

ClinVar aggregate classification (germline): Likely benign (0 of 4 stars; one submission).

Conditions:
MYT1-related disorder. Also called: MYT1-related condition.

Allele frequency attached by ClinVar (database versions not stated): ExAC 0.00002; gnomAD exomes 0.00004; TOPMed 0.00004; gnomAD 0.00005; ESP Exome Variant Server 0.00023.

Submission:

PreventionGenetics, part of Exact Sciences
Classification: Likely benign for MYT1-related condition. Last evaluated: 2019-04-30. Review status: no assertion criteria provided. Collection method: clinical testing. Allele origin: germline.
Comment: This variant is classified as likely benign based on ACMG/AMP sequence variant interpretation guidelines (Richards et al. 2015 PMID: 25741868, with internal and published modifications).